The following is an entry in ClinVar:

NC_000023.10:g.(?_31792057)_(31792329_?)dup

Gene: DMD (dystrophin; minus strand). Cytogenetic location: Xp21.1.
Variant type: Duplication.
Identifiers: ClinVar variation 1458305 (VCV001458305.6).

ClinVar aggregate classification (germline): Pathogenic (1 of 4 stars; one submission).

Conditions:
Duchenne muscular dystrophy (DMD). Also called: Duchenne Muscular Dystrophy (DMD); MUSCULAR DYSTROPHY, PSEUDOHYPERTROPHIC PROGRESSIVE, DUCHENNE TYPE. Identifiers: Orphanet 98896, MedGen C0013264, MONDO:0010679, OMIM 310200.

Submission:

Labcorp Genetics (formerly Invitae), Labcorp
Classification: Pathogenic for Duchenne muscular dystrophy. Last evaluated: 2023-09-11. Review status: criteria provided, single submitter. Criteria: Invitae Variant Classification Sherloc (09022015). Collection method: clinical testing. Allele origin: germline.
Comment: For these reasons, this variant has been classified as Pathogenic. This variant results in a copy number gain of the genomic region encompassing exon(s) 51 of the DMD gene. While the exact position of this variant cannot be determined from the data, sub-genic copy number gains are generally in tandem (PMID: 25640679). This variant is predicted to be out-of-frame, and may result in an absent or disrupted protein product. Loss-of-function variants in DMD are known to be pathogenic (PMID: 16770791, 25007885). A similar copy number variant has been observed in individuals with Duchenne or Becker muscular dystrophy (PMID: 12111668, 16917894).

Literature cited by the submitters: PubMed 25640679; PubMed 16770791; PubMed 25007885; PubMed 12111668; PubMed 16917894.